The following is an entry in ClinVar:

NM_004415.4(DSP):c.8525G>T (p.Arg2842Leu)

Gene: DSP (desmoplakin; plus strand). Cytogenetic location: 6p24.3.
Variant type: single nucleotide variant.
Coding change: c.8525G>T on transcript NM_004415.4 (MANE Select); coding-DNA position 8525, G replaced by T.
Protein change: p.Arg2842Leu; replaces arginine 2842 with leucine.
Molecular consequence: missense variant.
Genome position (GRCh38, 1-based): chr6:7,585,787, G>T. VCF-style: chr6-7585787-G-T. GRCh37 (hg19) VCF-style: chr6-7586020-G-T.
Other names: c.6728G>T, p.Arg2243Leu (NM_001008844.3); c.7196G>T, p.Arg2399Leu (NM_001319034.2); short protein forms R2842L, R2243L, R2399L.
Identifiers: ClinVar variation 2775389 (VCV002775389.2), dbSNP rs1581827020, ClinGen allele CA362695310.

ClinVar aggregate classification (germline): Uncertain significance (1 of 4 stars; one submission).

Conditions:
Cardiomyopathy (CMYO). Also called: Cardiomyopathies. Identifiers: Orphanet 167848, MedGen C0878544, MONDO:0004994, HP:0001638. Inheritance: Various modes of inheritance.

Submission:

Color Diagnostics, LLC DBA Color Health
Classification: Uncertain significance for Cardiomyopathy. Last evaluated: 2024-03-07. Review status: criteria provided, single submitter. Criteria: ACMG Guidelines, 2015. Collection method: clinical testing. Allele origin: germline.
Comment: This missense variant replaces arginine with leucine at codon 2842 of the DSP protein. Computational prediction suggests that this variant may not impact protein structure and function (internally defined REVEL score threshold <= 0.5, PMID: 27666373). To our knowledge, functional studies have not been reported for this variant. This variant has not been reported in individuals affected with cardiovascular disorders in the literature. This variant has not been identified in the general population by the Genome Aggregation Database (gnomAD). The available evidence is insufficient to determine the role of this variant in disease conclusively. Therefore, this variant is classified as a Variant of Uncertain Significance.